The following is an entry in ClinVar:

ClinVar aggregate classification (germline): Uncertain significance (1 of 4 stars; one submission).

Conditions:
Cardiovascular phenotype. Identifiers: MedGen CN230736.

gnomAD v4.1: 1 of 1,614,044 alleles (0.000062%); highest among the groups gnomAD compares: African/African-American, 0.0013%; no homozygotes.

Submission:

Ambry Genetics
Classification: Uncertain significance for Cardiovascular phenotype. Last evaluated: 2025-05-24. Review status: criteria provided, single submitter. Criteria: Ambry Variant Classification Scheme 2023. Collection method: clinical testing. Allele origin: germline.
Comment: The p.S196R variant (also known as c.586A>C), located in coding exon 3 of the CYP27A1 gene, results from an A to C substitution at nucleotide position 586. The serine at codon 196 is replaced by arginine, an amino acid with dissimilar properties. This amino acid position is conserved. In addition, this alteration is predicted to be tolerated by in silico analysis. Based on the available evidence, the clinical significance of this variant remains unclear.

NM_000784.4(CYP27A1):c.586A>C (p.Ser196Arg)

Gene: CYP27A1 (cytochrome P450 family 27 subfamily A member 1; plus strand). Cytogenetic location: 2q35.
Variant type: single nucleotide variant.
Coding change: c.586A>C on transcript NM_000784.4 (MANE Select); coding-DNA position 586, A replaced by C.
Protein change: p.Ser196Arg; replaces serine 196 with arginine.
Molecular consequence: missense variant.
Genome position (GRCh38, 1-based): chr2:218,812,361, A>C. VCF-style: chr2-218812361-A-C. GRCh37 (hg19) VCF-style: chr2-219677084-A-C.
Other names: short protein forms S196R.
Identifiers: ClinVar variation 4008775 (VCV004008775.1).
Genomic context (GRCh38, chr2:218,812,361, plus strand): 5'-GATGCTTTCAATGAGGTGATTGATGACTTTATGACTCGACTGGACCAGCTGCGGGCAGAG[A>C]GTGCTTCGGGGAACCAGGTGTCGGACATGGCTCAACTCTTCTACTACTTTGCCTTGGAAG-3'
Protein context (NP_000775.1, residues 186-206): MTRLDQLRAE[Ser196Arg]ASGNQVSDMA